The following is an entry in ClinVar:

NM_000038.6(APC):c.6750C>G (p.Gly2250=)

Gene: APC (APC regulator of Wnt signaling pathway; plus strand). Cytogenetic location: 5q22.2.
Variant type: single nucleotide variant.
Coding change: c.6750C>G on transcript NM_000038.6 (MANE Select); coding-DNA position 6750, C replaced by G.
Protein change: p.Gly2250=; no amino-acid change (glycine 2250 retained).
Molecular consequence: synonymous variant. On other transcripts: non-coding transcript variant (2).
Genome position (GRCh38, 1-based): chr5:112,842,344, C>G. VCF-style: chr5-112842344-C-G. GRCh37 (hg19) VCF-style: chr5-112178041-C-G.
Other names: c.6696C>G, p.Gly2232= (NM_001127511.3); c.6750C>G, p.Gly2250= (NM_001354895.2, NM_001407450.1, NM_001127510.3); c.6804C>G, p.Gly2268= (NM_001354896.2, NM_001407447.1, NM_001407448.1 and 1 more transcripts); c.6780C>G, p.Gly2260= (NM_001354897.2); c.6675C>G, p.Gly2225= (NM_001354898.2); c.6666C>G, p.Gly2222= (NM_001354899.2); c.6627C>G, p.Gly2209= (NM_001354900.2); c.6573C>G, p.Gly2191= (NM_001354901.2, NM_001407453.1); and 11 more.
Identifiers: ClinVar variation 3254314 (VCV003254314.1), dbSNP rs555799753.

ClinVar aggregate classification (germline): Benign (1 of 4 stars; one submission).

Conditions:
Familial adenomatous polyposis 1 (FAP1). Also called: FAMILIAL ADENOMATOUS POLYPOSIS 1, ATTENUATED; POLYPOSIS, ADENOMATOUS INTESTINAL. Identifiers: MedGen C2713442, MONDO:0021056, OMIM 175100. Disease mechanism: loss of function.

Submission:

Myriad Genetics, Inc.
Classification: Benign for Familial adenomatous polyposis 1. Last evaluated: 2024-04-05. Review status: criteria provided, single submitter. Criteria: Myriad Autosomal Dominant, Autosomal Recessive and X-Linked Classification Criteria (2023). Collection method: clinical testing. Allele origin: unknown.
Comment: This variant is considered benign. This variant is a silent/synonymous amino acid change and it is not expected to impact splicing.